The following is an entry in ClinVar:

NM_000057.4(BLM):c.2939C>T (p.Ala980Val)

Gene: BLM (BLM RecQ like helicase; plus strand). Cytogenetic location: 15q26.1.
Variant type: single nucleotide variant.
Coding change: c.2939C>T on transcript NM_000057.4 (MANE Select); coding-DNA position 2939, C replaced by T.
Protein change: p.Ala980Val; replaces alanine 980 with valine.
Molecular consequence: missense variant.
Genome position (GRCh38, 1-based): chr15:90,790,764, C>T. VCF-style: chr15-90790764-C-T. GRCh37 (hg19) VCF-style: chr15-91333994-C-T.
Other names: c.2939C>T, p.Ala980Val (NM_001287246.2, NM_001287247.2); c.1814C>T, p.Ala605Val (NM_001287248.2); short protein forms A605V, A980V.
Identifiers: ClinVar variation 1797886 (VCV001797886.7), dbSNP rs1215029737, ClinGen allele CA393846458.

ClinVar aggregate classification (germline): Uncertain significance. Review status: criteria provided, multiple submitters, no conflicts (2 of 4 stars). 2 submissions from 2 submitters: Uncertain significance (2). Last evaluated 2022-09-26.

Conditions:
Hereditary cancer-predisposing syndrome. Also called: Neoplastic Syndromes, Hereditary; Tumor predisposition; Hereditary Cancer Syndrome; Hereditary neoplastic syndrome. Identifiers: Orphanet 140162, MedGen C0027672, MeSH D009386, MONDO:0015356.
Bloom syndrome (BLM). Also called: Bloom-Torre-Machacek syndrome. Identifiers: Orphanet 125, MedGen C0005859, MONDO:0008876, OMIM 210900.

Allele frequency attached by ClinVar (database versions not stated): gnomAD exomes below 0.00001.
gnomAD v4.1: 1 of 1,614,136 alleles (0.000062%); highest among the groups gnomAD compares: East Asian, 0.0022%; no homozygotes.

Submissions (2):

Ambry Genetics
Classification: Uncertain significance for Hereditary cancer-predisposing syndrome. Last evaluated: 2022-09-26. Review status: criteria provided, single submitter. Criteria: Ambry Variant Classification Scheme 2023. Collection method: clinical testing. Allele origin: germline.
Comment: The p.A980V variant (also known as c.2939C>T), located in coding exon 14 of the BLM gene, results from a C to T substitution at nucleotide position 2939. The alanine at codon 980 is replaced by valine, an amino acid with similar properties. This amino acid position is conserved. In addition, this alteration is predicted to be deleterious by in silico analysis. Since supporting evidence is limited at this time, the clinical significance of this alteration remains unclear.

Labcorp Genetics (formerly Invitae), Labcorp
Classification: Uncertain significance for Bloom syndrome. Last evaluated: 2021-11-26. Review status: criteria provided, single submitter. Criteria: Invitae Variant Classification Sherloc (09022015). Collection method: clinical testing. Allele origin: germline.
Comment: In summary, the available evidence is currently insufficient to determine the role of this variant in disease. Therefore, it has been classified as a Variant of Uncertain Significance. Algorithms developed to predict the effect of missense changes on protein structure and function are either unavailable or do not agree on the potential impact of this missense change (SIFT: "Deleterious"; PolyPhen-2: "Probably Damaging"; Align-GVGD: "Class C0"). This variant has not been reported in the literature in individuals affected with BLM-related conditions. This variant is present in population databases (no rsID available, gnomAD 0.006%). This sequence change replaces alanine, which is neutral and non-polar, with valine, which is neutral and non-polar, at codon 980 of the BLM protein (p.Ala980Val).